The following is an entry in ClinVar:

ClinVar aggregate classification (germline): Likely benign (1 of 4 stars; one submission).

gnomAD v4.1: 1,407 of 1,533,456 alleles (0.092%); highest among the groups gnomAD compares: Non-Finnish European, 0.084%; 7 homozygotes.

Submission:

CeGaT Center for Human Genetics Tuebingen
Classification: Likely benign. Last evaluated: 2025-12-01. Review status: criteria provided, single submitter. Criteria: CeGaT Center For Human Genetics Tuebingen Variant Classification Criteria Version 2. Collection method: clinical testing. Allele origin: germline. Affected: yes. Observed: 1 variant allele.
Comment: FSIP2: BP4, BP7

NM_173651.4(FSIP2):c.11589G>A (p.Pro3863=)

Gene: FSIP2 (fibrous sheath interacting protein 2; plus strand). Cytogenetic location: 2q32.1.
Variant type: single nucleotide variant.
Coding change: c.11589G>A on transcript NM_173651.4 (MANE Select); coding-DNA position 11589, G replaced by A.
Protein change: p.Pro3863=; no amino-acid change (proline 3863 retained).
Molecular consequence: synonymous variant.
Genome position (GRCh38, 1-based): chr2:185,800,895, G>A. VCF-style: chr2-185800895-G-A. GRCh37 (hg19) VCF-style: chr2-186665622-G-A.
Identifiers: ClinVar variation 4681378 (VCV004681378.5).